The following is an entry in ClinVar:

ClinVar aggregate classification (germline): Uncertain significance. Review status: criteria provided, multiple submitters, no conflicts (2 of 4 stars). 3 submissions from 3 submitters: Uncertain significance (3). Last evaluated 2025-11-26.

Conditions:
Spastic paraplegia-severe developmental delay-epilepsy syndrome. Also called: Spastic paraplegia and psychomotor retardation with or without seizures. Identifiers: Orphanet 464282, MedGen C4225215, MONDO:0014764, OMIM 616756.
Inborn genetic diseases. Identifiers: MedGen C0950123, MeSH D030342.

Allele frequency attached by ClinVar (database versions not stated): TOPMed 0.00001.
gnomAD v4.1: 4 of 1,613,652 alleles (0.00025%); highest among the groups gnomAD compares: Non-Finnish European, 0.00034%; no homozygotes.

Submissions (3):

Ambry Genetics
Classification: Uncertain significance for Inborn genetic diseases. Last evaluated: 2025-11-26. Review status: criteria provided, single submitter. Criteria: Ambry Variant Classification Scheme 2023. Collection method: clinical testing. Allele origin: germline.

Blueprint Genetics
Classification: Uncertain significance. Last evaluated: 2023-01-12. Review status: criteria provided, single submitter. Criteria: ACMG Guidelines, 2015. Collection method: clinical testing. Allele origin: germline.

Baylor Genetics
Classification: Uncertain significance for Spastic paraplegia-severe developmental delay-epilepsy syndrome. Last evaluated: 2019-02-13. Review status: criteria provided, single submitter. Criteria: ACMG Guidelines, 2015. Collection method: clinical testing. Allele origin: unknown. Affected: yes.
Comment: This variant was determined to be of uncertain significance according to ACMG Guidelines, 2015 [PMID:25741868].

NM_020771.4(HACE1):c.1351C>T (p.Arg451Trp)

Gene: HACE1 (HECT domain and ankyrin repeat containing E3 ubiquitin protein ligase 1; minus strand). Cytogenetic location: 6q16.3.
Variant type: single nucleotide variant.
Coding change: c.1351C>T on transcript NM_020771.4 (MANE Select); coding-DNA position 1351, C replaced by T.
Protein change: p.Arg451Trp; replaces arginine 451 with tryptophan.
Molecular consequence: missense variant. On other transcripts: non-coding transcript variant (7).
Genome position (GRCh38, 1-based): chr6:104,785,043, G>A on the plus strand (C>T on the coding strand, the complement: HACE1 is on the minus strand). VCF-style: chr6-104785043-G-A. GRCh37 (hg19) VCF-style: chr6-105232918-G-A.
Other names: c.1219C>T, p.Arg407Trp (NM_001321080.2); c.1249C>T, p.Arg417Trp (NM_001321083.2); c.847C>T, p.Arg283Trp (NM_001321084.2, NM_001350557.2, NM_001350558.2); c.1117C>T, p.Arg373Trp (NM_001350554.2); c.1060C>T, p.Arg354Trp (NM_001350555.2); c.865C>T, p.Arg289Trp (NM_001350556.2); c.769C>T, p.Arg257Trp (NM_001350559.2); c.568C>T, p.Arg190Trp (NM_001350560.2); short protein forms R190W, R417W, R283W, R354W, R289W, R451W, R257W, R373W.
Identifiers: ClinVar variation 1028189 (VCV001028189.3), dbSNP rs1455900509, ClinGen allele CA365136202.
Genomic context (GRCh38, chr6:104,785,043, plus strand): 5'-ACCCCGGAGGCATCTGACAAGAACAGCACATGTAAAAAGCTTGAATGACAGCACTTAGCC[G>A]GTTAGCTGTCATAGAAATAACATCCTGACAATCTGCACTGGCTTCCTGTCTCCCTGCAAG-3'
Protein context (NP_065822.2, residues 441-461): CQDVISMTAN[Arg451Trp]LSAVIQAFYM